The following is an entry in ClinVar:

ClinVar aggregate classification (germline): Uncertain significance (1 of 4 stars; one submission).

Conditions:
EGFR-related lung cancer (EGFR). Identifiers: MedGen CN130014.

Submission:

Labcorp Genetics (formerly Invitae), Labcorp
Classification: Uncertain significance for EGFR-related lung cancer. Last evaluated: 2023-06-24. Review status: criteria provided, single submitter. Criteria: Invitae Variant Classification Sherloc (09022015). Collection method: clinical testing. Allele origin: germline.
Comment: This variant, c.34_54dup, results in the insertion of 7 amino acid(s) of the EGFR protein (p.Leu12_Leu18dup), but otherwise preserves the integrity of the reading frame. This variant is not present in population databases (gnomAD no frequency). This variant has not been reported in the literature in individuals affected with EGFR-related conditions. In summary, the available evidence is currently insufficient to determine the role of this variant in disease. Therefore, it has been classified as a Variant of Uncertain Significance.

NM_005228.5(EGFR):c.34_54dup (p.Leu18_Cys19insLeuAlaLeuLeuAlaAlaLeu)

Gene: EGFR (epidermal growth factor receptor; plus strand). Cytogenetic location: 7p11.2.
Variant type: Duplication.
Coding change: c.34_54dup on transcript NM_005228.5 (MANE Select); coding-DNA positions 34 to 54, 21 bases duplicated (CTGGCGCTGCTGGCTGCGCTC).
Protein change: p.Leu18_Cys19insLeuAlaLeuLeuAlaAlaLeu.
Molecular consequence: inframe insertion.
Genome position (GRCh38, 1-based): chr7:55,019,311-55,019,331, CTGGCGCTGCTGGCTGCGCTC duplicated; duplicating any 21 consecutive bases within chr7:55,019,305-55,019,331 gives the same sequence; the c. name uses the placement nearest the transcript's 3' end. VCF-style (leftmost placement, unchanged base first): chr7-55019304-A-AGCGCTCCTGGCGCTGCTGGCT. GRCh37 (hg19) VCF-style: chr7-55086997-A-AGCGCTCCTGGCGCTGCTGGCT.
Other names: c.34_54dup, p.Leu18_Cys19insLeuAlaLeuLeuAlaAlaLeu (NM_001346897.2, NM_001346898.2, NM_001346899.2 and 4 more transcripts).
Identifiers: ClinVar variation 2726953 (VCV002726953.3), dbSNP rs2128853380, ClinGen allele CA2697557256.